The following is an entry in ClinVar:

ClinVar aggregate classification (germline): Uncertain significance. Review status: criteria provided, multiple submitters, no conflicts (2 of 4 stars). 3 submissions from 3 submitters: Uncertain significance (2). 1 of the submissions does not count toward it. Last evaluated 2026-01-12.

Conditions:
Dyskeratosis congenita, autosomal recessive 5 (DKCB5). Identifiers: MedGen C3554656, MONDO:0014076, OMIM 615190.
Pulmonary fibrosis and/or bone marrow failure, Telomere-related, 3. Also called: PULMONARY FIBROSIS AND/OR BONE MARROW FAILURE SYNDROME, TELOMERE-RELATED, 3. Identifiers: Orphanet 2032, MedGen C4225346, MONDO:0014613, OMIM 616373.
Dyskeratosis congenita. Identifiers: Orphanet 1775, MedGen C0265965, MONDO:0015780.

Allele frequency attached by ClinVar (database versions not stated): gnomAD exomes below 0.00001; TOPMed below 0.00001; gnomAD 0.00001.
gnomAD v4.1: 2 of 1,613,894 alleles (0.00012%); highest among the groups gnomAD compares: Admixed American, 0.0017%; no homozygotes.

Submissions (3):

Labcorp Genetics (formerly Invitae), Labcorp
Classification: Uncertain significance for Dyskeratosis congenita, autosomal recessive 5; Pulmonary fibrosis and/or bone marrow failure, Telomere-related, 3. Last evaluated: 2026-01-12. Review status: criteria provided, single submitter. Criteria: Invitae Variant Classification Sherloc (09022015). Collection method: clinical testing. Allele origin: germline.
Comment: This sequence change replaces lysine, which is basic and polar, with glutamic acid, which is acidic and polar, at codon 152 of the RTEL1 protein (p.Lys152Glu). This variant is present in population databases (no rsID available, gnomAD 0.0009%). This variant has not been reported in the literature in individuals affected with RTEL1-related conditions. ClinVar contains an entry for this variant (Variation ID: 650862). An algorithm developed to predict the effect of missense changes on protein structure and function (PolyPhen-2) suggests that this variant is likely to be tolerated. In summary, the available evidence is currently insufficient to determine the role of this variant in disease. Therefore, it has been classified as a Variant of Uncertain Significance.

Fulgent Genetics
Classification: Uncertain significance for Dyskeratosis congenita, autosomal recessive 5; Pulmonary fibrosis and/or bone marrow failure, Telomere-related, 3. Last evaluated: 2024-03-09. Review status: criteria provided, single submitter. Criteria: ACMG Guidelines, 2015. Collection method: clinical testing. Allele origin: germline.

Natera, Inc.
Classification: Uncertain significance for Dyskeratosis congenita. Last evaluated: 2020-01-24. Review status: no assertion criteria provided. Collection method: clinical testing. Allele origin: germline. Not counted in ClinVar's aggregate classification.

NM_001283009.2(RTEL1):c.454A>G (p.Lys152Glu)

Genes: RTEL1-TNFRSF6B (RTEL1-TNFRSF6B readthrough (NMD candidate); plus strand), RTEL1 (regulator of telomere elongation helicase 1; plus strand). Cytogenetic location: 20q13.33.
Variant type: single nucleotide variant.
Coding change: c.454A>G on transcript NM_001283009.2 (MANE Select); coding-DNA position 454, A replaced by G.
Protein change: p.Lys152Glu; replaces lysine 152 with glutamic acid.
Molecular consequence: missense variant. On other transcripts: non-coding transcript variant (1), 5 prime UTR variant (1).
Genome position (GRCh38, 1-based): chr20:63,662,604, A>G. VCF-style: chr20-63662604-A-G. GRCh37 (hg19) VCF-style: chr20-62293957-A-G.
Other names: c.-216A>G (NM_001283010.1); c.454A>G, p.Lys152Glu (NM_016434.4); c.526A>G, p.Lys176Glu (NM_032957.5); short protein forms K176E, K152E.
Identifiers: ClinVar variation 650862 (VCV000650862.10), dbSNP rs1234907654, ClinGen allele CA409669678.
Genomic context (GRCh38, chr20:63,662,604, plus strand): 5'-AGGCCTAAGGTGTGTGTGCTGGGCTCCCGGGAGCAGCTGTGCATCCATCCTGAGGTGAAG[A>G]AACAAGAGAGTAACCATCTACAGGTAGGCTCCTGGGCTCCCGCTCCGGCTCAGTGTCCGA-3'
Protein context (NP_001269938.1, residues 142-162): EQLCIHPEVK[Lys152Glu]QESNHLQIHL